The following is an entry in ClinVar:

ClinVar aggregate classification (germline): Uncertain significance (1 of 4 stars; one submission).

Allele frequency attached by ClinVar (database versions not stated): gnomAD 0.00001.
gnomAD v4.1: 1 of 1,595,770 alleles (0.000063%); highest among the groups gnomAD compares: Non-Finnish European, 0.000085%; no homozygotes.

Submission:

Labcorp Genetics (formerly Invitae), Labcorp
Classification: Uncertain significance. Last evaluated: 2023-04-12. Review status: criteria provided, single submitter. Criteria: Invitae Variant Classification Sherloc (09022015). Collection method: clinical testing. Allele origin: germline.
Comment: This variant is not present in population databases (gnomAD no frequency). This sequence change replaces glycine, which is neutral and non-polar, with serine, which is neutral and polar, at codon 249 of the TNFRSF6B protein (p.Gly249Ser). This variant has not been reported in the literature in individuals affected with TNFRSF6B-related conditions. In summary, the available evidence is currently insufficient to determine the role of this variant in disease. Therefore, it has been classified as a Variant of Uncertain Significance. Algorithms developed to predict the effect of missense changes on protein structure and function output the following: SIFT: "Not Available"; PolyPhen-2: "Benign"; Align-GVGD: "Not Available". The serine amino acid residue is found in multiple mammalian species, which suggests that this missense change does not adversely affect protein function.

NM_003823.4(TNFRSF6B):c.745G>A (p.Gly249Ser)

Genes: RTEL1-TNFRSF6B (RTEL1-TNFRSF6B readthrough (NMD candidate); plus strand), TNFRSF6B (TNF receptor superfamily member 6b; plus strand). Cytogenetic location: 20q13.33.
Variant type: single nucleotide variant.
Coding change: c.745G>A on transcript NM_003823.4 (MANE Select); coding-DNA position 745, G replaced by A.
Protein change: p.Gly249Ser; replaces glycine 249 with serine.
Molecular consequence: missense variant. On other transcripts: non-coding transcript variant (1).
Genome position (GRCh38, 1-based): chr20:63,698,405, G>A. VCF-style: chr20-63698405-G-A. GRCh37 (hg19) VCF-style: chr20-62329758-G-A.
Other names: short protein forms G249S.
Identifiers: ClinVar variation 2788342 (VCV002788342.3), dbSNP rs2091033129, ClinGen allele CA409712078.